The following is an entry in ClinVar:

NM_005896.4(IDH1):c.1080A>C (p.Glu360Asp)

Gene: IDH1 (isocitrate dehydrogenase (NADP(+)) 1; minus strand). Cytogenetic location: 2q34.
Variant type: single nucleotide variant.
Coding change: c.1080A>C on transcript NM_005896.4 (MANE Select); coding-DNA position 1080, A replaced by C.
Protein change: p.Glu360Asp; replaces glutamic acid 360 with aspartic acid.
Molecular consequence: missense variant.
Genome position (GRCh38, 1-based): chr2:208,239,145, T>G on the plus strand (A>C on the coding strand, the complement: IDH1 is on the minus strand). VCF-style: chr2-208239145-T-G. GRCh37 (hg19) VCF-style: chr2-209103869-T-G.
Other names: c.1080A>C, p.Glu360Asp (NM_001282386.1, NM_001282387.1); short protein forms E360D.
Identifiers: ClinVar variation 3225118 (VCV003225118.1), dbSNP rs2469014355, ClinGen allele CA350094361.
Genomic context (GRCh38, chr2:208,239,145, plus strand): 5'-AATGCAAGCAGCCAAGTCCTTGGTCATGAAGCCAGCCTCAATTGTCTCAATAGAGACTTC[T>G]TCCAAAGCATTTGCAAAGAAGGCAAGCTCTTTATTGTTATCAAGCTTTGCTCTGTGGGCT-3'
Protein context (NP_005887.2, residues 350-370): KELAFFANAL[Glu360Asp]EVSIETIEAG

ClinVar aggregate classification (germline): Uncertain significance (1 of 4 stars; one submission).

Submission:

Ambry Genetics
Classification: Uncertain significance. Last evaluated: 2023-12-29. Review status: criteria provided, single submitter. Criteria: Ambry Variant Classification Scheme 2023. Collection method: clinical testing. Allele origin: germline.
Comment: The p.E360D variant (also known as c.1080A>C), located in coding exon 7 of the IDH1 gene, results from an A to C substitution at nucleotide position 1080. The glutamic acid at codon 360 is replaced by aspartic acid, an amino acid with highly similar properties. This amino acid position is conserved. In addition, the in silico prediction for this alteration is inconclusive. Since supporting evidence is limited at this time, the clinical significance of this alteration remains unclear.